The following is an entry in ClinVar:

ClinVar aggregate classification (germline): Pathogenic (1 of 4 stars; one submission).

Conditions:
Glycine encephalopathy 1 (GCE1). Identifiers: MedGen CN376801, MONDO:0958179, OMIM 605899.

Submission:

Myriad Genetics, Inc.
Classification: Pathogenic for Glycine encephalopathy 1. Last evaluated: 2023-09-27. Review status: criteria provided, single submitter. Criteria: Myriad Autosomal Dominant, Autosomal Recessive and X-Linked Classification Criteria (2023). Collection method: clinical testing. Allele origin: unknown.
Comment: NM_000170.2(GLDC):c.81dupG(P28Afs*61) is expected to be pathogenic in the context of glycine encephalopathy, GLDC-related. This variant is predicted to lead to an abnormal or absent protein product due to the creation of a premature termination codon in GLDC, a gene where loss-of-function variants are known to be pathogenic. Please note: this variant was assessed in the context of healthy population screening.

NM_000170.3(GLDC):c.81dup (p.Pro28fs)

Gene: GLDC (glycine decarboxylase; minus strand). Cytogenetic location: 9p24.1.
Variant type: Duplication.
Coding change: c.81dup on transcript NM_000170.3 (MANE Select); coding-DNA position 81, one base duplicated (G; older notation c.81dupG).
Protein change: p.Pro28fs; shifts the reading frame from proline 28.
Molecular consequence: frameshift variant.
Genome position (GRCh38, 1-based): chr9:6,645,419, C duplicated on the plus strand (G on the coding strand, the reverse complement: GLDC is on the minus strand); the first of 4 consecutive C bases (chr9:6,645,419-6,645,422); duplicating any one gives the same sequence. VCF-style (leftmost placement, unchanged base first): chr9-6645418-G-GC. GRCh37 (hg19) VCF-style: chr9-6645418-G-GC.
Other names: short protein forms P28fs.
Identifiers: ClinVar variation 5012164 (VCV005012164.1).